The following is an entry in ClinVar:

ClinVar aggregate classification (germline): Uncertain significance. Review status: criteria provided, multiple submitters, no conflicts (2 of 4 stars). 2 submissions from 2 submitters: Uncertain significance (2). Last evaluated 2026-07-02.

Conditions:
Hereditary cancer-predisposing syndrome. Also called: Hereditary Cancer Syndrome; Tumor predisposition; Neoplastic Syndromes, Hereditary; Hereditary neoplastic syndrome. Identifiers: Orphanet 140162, MedGen C0027672, MeSH D009386, MONDO:0015356.
Birt-Hogg-Dube syndrome. Also called: Birt Hogg Dubé syndrome. Identifiers: Orphanet 122, MedGen C0346010, MONDO:0800444.

Submissions (2):

Ambry Genetics
Classification: Uncertain significance for Hereditary cancer-predisposing syndrome. Last evaluated: 2026-07-02. Review status: criteria provided, single submitter. Criteria: Ambry Variant Classification Scheme 2023. Collection method: clinical testing. Allele origin: germline.
Comment: The p.E328Q variant (also known as c.982G>C), located in coding exon 6 of the FLCN gene, results from a G to C substitution at nucleotide position 982. The glutamic acid at codon 328 is replaced by glutamine, an amino acid with highly similar properties. This amino acid position is conserved. In addition, this alteration is predicted to be tolerated by in silico analysis. Based on the available evidence, the clinical significance of this variant remains unclear.

Labcorp Genetics (formerly Invitae), Labcorp
Classification: Uncertain significance for Birt-Hogg-Dube syndrome. Last evaluated: 2021-04-29. Review status: criteria provided, single submitter. Criteria: Invitae Variant Classification Sherloc (09022015). Collection method: clinical testing. Allele origin: germline.
Comment: This variant is not present in population databases (ExAC no frequency). In summary, the available evidence is currently insufficient to determine the role of this variant in disease. Therefore, it has been classified as a Variant of Uncertain Significance. Algorithms developed to predict the effect of missense changes on protein structure and function (SIFT, PolyPhen-2, Align-GVGD) all suggest that this variant is likely to be tolerated, but these predictions have not been confirmed by published functional studies and their clinical significance is uncertain. This variant has not been reported in the literature in individuals with FLCN-related conditions. This sequence change replaces glutamic acid with glutamine at codon 328 of the FLCN protein (p.Glu328Gln). The glutamic acid residue is moderately conserved and there is a small physicochemical difference between glutamic acid and glutamine.

NM_144997.7(FLCN):c.982G>C (p.Glu328Gln)

Gene: FLCN (folliculin; minus strand). Cytogenetic location: 17p11.2.
Variant type: single nucleotide variant.
Coding change: c.982G>C on transcript NM_144997.7 (MANE Select); coding-DNA position 982, G replaced by C.
Protein change: p.Glu328Gln; replaces glutamic acid 328 with glutamine.
Molecular consequence: missense variant.
Genome position (GRCh38, 1-based): chr17:17,219,099, C>G on the plus strand (G>C on the coding strand, the complement: FLCN is on the minus strand). VCF-style: chr17-17219099-C-G. GRCh37 (hg19) VCF-style: chr17-17122413-C-G.
Other names: c.1036G>C, p.Glu346Gln (NM_001353229.2); c.982G>C, p.Glu328Gln (NM_001353230.2, NM_001353231.2); c.982G>C (NM_144997.5); short protein forms E328Q, E346Q.
Identifiers: ClinVar variation 1491882 (VCV001491882.9), dbSNP rs2144895541, ClinGen allele CA398532879.